The following is an entry in ClinVar:

NM_003803.4(MYOM1):c.1690G>C (p.Val564Leu)

Gene: MYOM1 (myomesin 1; minus strand). Cytogenetic location: 18p11.31.
Variant type: single nucleotide variant.
Coding change: c.1690G>C on transcript NM_003803.4 (MANE Select); coding-DNA position 1690, G replaced by C.
Protein change: p.Val564Leu; replaces valine 564 with leucine.
Molecular consequence: missense variant.
Genome position (GRCh38, 1-based): chr18:3,151,847, C>G on the plus strand (G>C on the coding strand, the complement: MYOM1 is on the minus strand). VCF-style: chr18-3151847-C-G. GRCh37 (hg19) VCF-style: chr18-3151845-C-G.
Other names: c.1690G>C, p.Val564Leu (NM_019856.2); short protein forms V564L.
Identifiers: ClinVar variation 853642 (VCV000853642.9), dbSNP rs2080227826, ClinGen allele CA401714303.

ClinVar aggregate classification (germline): Uncertain significance (1 of 4 stars; one submission).

Conditions:
Hypertrophic cardiomyopathy. Also called: HYPERTROPHIC MYOCARDIOPATHY. Identifiers: Orphanet 217569, MedGen C0007194, MeSH D002312, MONDO:0005045, HP:0001639.

Submission:

Labcorp Genetics (formerly Invitae), Labcorp
Classification: Uncertain significance for Hypertrophic cardiomyopathy. Last evaluated: 2022-10-28. Review status: criteria provided, single submitter. Criteria: Invitae Variant Classification Sherloc (09022015). Collection method: clinical testing. Allele origin: germline.
Comment: ClinVar contains an entry for this variant (Variation ID: 853642). This sequence change replaces valine, which is neutral and non-polar, with leucine, which is neutral and non-polar, at codon 564 of the MYOM1 protein (p.Val564Leu). This variant is not present in population databases (gnomAD no frequency). This variant has not been reported in the literature in individuals affected with MYOM1-related conditions. Advanced modeling of protein sequence and biophysical properties (such as structural, functional, and spatial information, amino acid conservation, physicochemical variation, residue mobility, and thermodynamic stability) has been performed at Invitae for this missense variant, however the output from this modeling did not meet the statistical confidence thresholds required to predict the impact of this variant on MYOM1 protein function. In summary, the available evidence is currently insufficient to determine the role of this variant in disease. Therefore, it has been classified as a Variant of Uncertain Significance.